The following is an entry in ClinVar:

NM_001003694.2(BRPF1):c.952C>T (p.Arg318Cys)

Gene: BRPF1 (bromodomain and PHD finger containing 1; plus strand). Cytogenetic location: 3p25.3.
Variant type: single nucleotide variant.
Coding change: c.952C>T on transcript NM_001003694.2 (MANE Select); coding-DNA position 952, C replaced by T.
Protein change: p.Arg318Cys; replaces arginine 318 with cysteine.
Molecular consequence: missense variant. On other transcripts: non-coding transcript variant (1).
Genome position (GRCh38, 1-based): chr3:9,739,351, C>T. VCF-style: chr3-9739351-C-T. GRCh37 (hg19) VCF-style: chr3-9781035-C-T.
Other names: c.952C>T, p.Arg318Cys (NM_001319049.2, NM_001319050.2, NM_001410704.1 and 7 more transcripts); short protein forms R318C.
Identifiers: ClinVar variation 4880356 (VCV004880356.1).

ClinVar aggregate classification (germline): Likely pathogenic (1 of 4 stars; one submission).

Conditions:
Intellectual developmental disorder with dysmorphic facies and ptosis (IDDDFP). Identifiers: Orphanet 698090, MedGen C4310617, MONDO:0015022, OMIM 617333.

gnomAD v4.1: 3 of 1,614,182 alleles (0.00019%); highest among the groups gnomAD compares: East Asian, 0.0022%; no homozygotes.

Submission:

Center of Excellence of Human Genetics, National Research Center
Classification: Likely pathogenic for Intellectual developmental disorder with dysmorphic facies and ptosis. Review status: criteria provided, single submitter. Criteria: ACMG Guidelines, 2015. Collection method: clinical testing. Allele origin: germline. Inheritance: Autosomal dominant inheritance. Affected: yes.
Comment: The c.952C>T p.Arg318Cys variant in BRPF1 is a missense variant located in the coding region and impacting exon 3 of BRPF1. It has been reported in the general population with a gnomAD frequency of 0.000200%, with 0 individuals reported in the homozygous state. Computational prediction tools provide the following scores for this variant: CADD=29.0 and REVEL=0.83. This variant has been classified as likely pathogenic, as different amino acid (Arg318His) change was reported as a known pathogenic variant.

Literature cited by the submitters: PubMed 32010779.